The following is an entry in ClinVar:

NM_001437.3(ESR2):c.984G>A (p.Val328=)

Gene: ESR2 (estrogen receptor 2; minus strand). Cytogenetic location: 14q23.2.
Variant type: single nucleotide variant.
Coding change: c.984G>A on transcript NM_001437.3 (MANE Select); coding-DNA position 984, G replaced by A.
Protein change: p.Val328=; no amino-acid change (valine 328 retained).
Molecular consequence: synonymous variant. On other transcripts: non-coding transcript variant (1), intron variant (1).
Genome position (GRCh38, 1-based): chr14:64,257,333, C>T on the plus strand (G>A on the coding strand, the complement: ESR2 is on the minus strand). VCF-style: chr14-64257333-C-T. GRCh37 (hg19) VCF-style: chr14-64724051-C-T.
Other names: c.984G>A, p.Val328= (NM_001040275.1, NM_001214902.1, NM_001271876.1 and 2 more transcripts); c.952+3116G>A (NM_001271877.1).
Identifiers: ClinVar variation 1228925 (VCV001228925.14), dbSNP rs1256049, ClinGen allele CA7225349.

ClinVar aggregate classification (germline): Benign. Review status: criteria provided, multiple submitters, no conflicts (2 of 4 stars). 4 submissions from 4 submitters: Benign (3). 1 of the submissions does not count toward it. Last evaluated 2026-02-01.

Conditions:
ESR2-related disorder. Also called: ESR2-related condition.

Allele frequency attached by ClinVar (database versions not stated): gnomAD exomes 0.04393 and 0.06673; gnomAD 0.06381 and 0.06675; TOPMed 0.06511; 1000 Genomes Project 0.12959; ExAC 0.06707; 1000 Genomes Project 30x 0.12601; ESP Exome Variant Server 0.05328.
gnomAD v4.1: 75,043 of 1,613,366 alleles (4.7%); highest among the groups gnomAD compares: East Asian, 33%; 4,026 homozygotes.

Submissions (4):

Labcorp Genetics (formerly Invitae), Labcorp
Classification: Benign. Last evaluated: 2026-02-01. Review status: criteria provided, single submitter. Criteria: Invitae Variant Classification Sherloc (09022015). Collection method: clinical testing. Allele origin: germline.

GeneDx
Classification: Benign. Last evaluated: 2018-07-09. Review status: criteria provided, single submitter. Criteria: GeneDx Variant Classification Process June 2021. Collection method: clinical testing. Allele origin: germline. Affected: yes.
Comment: This variant is associated with the following publications: (PMID: 11231990)

Breakthrough Genomics
Classification: Benign. Review status: criteria provided, single submitter. Criteria: ACMG Guidelines, 2015. Collection method: not provided. Allele origin: germline. Inheritance: Autosomal dominant inheritance. Affected: yes.

PreventionGenetics, part of Exact Sciences
Classification: Benign for ESR2-related condition. Last evaluated: 2019-02-22. Review status: no assertion criteria provided. Collection method: clinical testing. Allele origin: germline. Not counted in ClinVar's aggregate classification.
Comment: This variant is classified as benign based on ACMG/AMP sequence variant interpretation guidelines (Richards et al. 2015 PMID: 25741868, with internal and published modifications).